The following is an entry in ClinVar:

NM_015192.4(PLCB1):c.695+6_695+7del

Gene: PLCB1 (phospholipase C beta 1; plus strand). Cytogenetic location: 20p12.3.
Variant type: Microsatellite.
Coding change: c.695+6_695+7del on transcript NM_015192.4 (MANE Select); bases 6 to 7 of the intron after coding-DNA position 695, 2 bases deleted (AG; older notation c.695+6_695+7delAG).
Molecular consequence: intron variant.
Genome position (GRCh38, 1-based): chr20:8,657,290-8,657,291, AG deleted; deleting any 2 consecutive bases within chr20:8,657,288-8,657,291 gives the same sequence; the c. name uses the placement nearest the transcript's 3' end. VCF-style (leftmost placement, unchanged base first): chr20-8657287-AAG-A. GRCh37 (hg19) VCF-style: chr20-8637934-AAG-A.
Other names: c.695+6_695+7del (NM_182734.3).
Identifiers: ClinVar variation 971652 (VCV000971652.10), dbSNP rs749649429, ClinGen allele CA9759790.

ClinVar aggregate classification (germline): Uncertain significance (1 of 4 stars; one submission).

Conditions:
Developmental and epileptic encephalopathy, 12 (DEE12). Identifiers: MedGen C3150988, MONDO:0013389, OMIM 613722.

Submission:

Labcorp Genetics (formerly Invitae), Labcorp
Classification: Uncertain significance for Developmental and epileptic encephalopathy, 12. Last evaluated: 2020-02-11. Review status: criteria provided, single submitter. Criteria: Invitae Variant Classification Sherloc (09022015). Collection method: clinical testing. Allele origin: germline.
Comment: This variant has not been reported in the literature in individuals with PLCB1-related conditions. Nucleotide substitutions within the consensus splice site are a relatively common cause of aberrant splicing (PMID: 17576681, 9536098). Algorithms developed to predict the effect of sequence changes on RNA splicing suggest that this variant is not likely to affect RNA splicing, but this prediction has not been confirmed by published transcriptional studies. In summary, the available evidence is currently insufficient to determine the role of this variant in disease. Therefore, it has been classified as a Variant of Uncertain Significance. This sequence change falls in intron 8 of the PLCB1 gene. It does not directly change the encoded amino acid sequence of the PLCB1 protein, but it affects a nucleotide within the consensus splice site of the intron. This variant is present in population databases (rs749649429, ExAC 0.002%).

Literature cited by the submitters: PubMed 17576681; PubMed 9536098.